The following is an entry in ClinVar:

NM_002427.4(MMP13):c.1117C>A (p.Leu373Met)

Gene: MMP13 (matrix metallopeptidase 13; minus strand). Cytogenetic location: 11q22.2.
Variant type: single nucleotide variant.
Coding change: c.1117C>A on transcript NM_002427.4 (MANE Select); coding-DNA position 1117, C replaced by A.
Protein change: p.Leu373Met; replaces leucine 373 with methionine.
Molecular consequence: missense variant.
Genome position (GRCh38, 1-based): chr11:102,947,985, G>T on the plus strand (C>A on the coding strand, the complement: MMP13 is on the minus strand). VCF-style: chr11-102947985-G-T. GRCh37 (hg19) VCF-style: chr11-102818714-G-T.
Other names: short protein forms L373M.
Identifiers: ClinVar variation 1517235 (VCV001517235.11), dbSNP rs112373498, ClinGen allele CA6251777.

ClinVar aggregate classification (germline): Uncertain significance. Review status: criteria provided, multiple submitters, no conflicts (2 of 4 stars). 3 submissions from 3 submitters: Uncertain significance (3). Last evaluated 2025-11-19.

Allele frequency attached by ClinVar (database versions not stated): gnomAD exomes 0.00006; ExAC 0.00007; 1000 Genomes Project 30x 0.00016; 1000 Genomes Project 0.00020; ESP Exome Variant Server 0.00054.
gnomAD v4.1: 64 of 1,613,834 alleles (0.004%); highest among the groups gnomAD compares: African/African-American, 0.072%; no homozygotes.

Submissions (3):

Women's Health and Genetics/Laboratory Corporation of America, LabCorp
Classification: Uncertain significance. Last evaluated: 2025-11-19. Review status: criteria provided, single submitter. Criteria: LabCorp Variant Classification Summary - May 2015. Collection method: clinical testing. Allele origin: germline.
Comment: Variant summary: MMP13 c.1117C>A (p.Leu373Met) results in a conservative amino acid change located in the Hemopexin-like domain (IPR000585) of the encoded protein sequence. Algorithms developed to predict the effect of missense changes on protein structure and function are either unavailable or do not agree on the potential impact of this missense change. The variant allele was found at a frequency of 6.4e-05 in 248698 control chromosomes. This frequency is not significantly higher than estimated for disease-causing variants in MMP13, allowing no conclusion about variant significance. To our knowledge, no occurrence of c.1117C>A in individuals affected with MMP13-related conditions and no experimental evidence demonstrating its impact on protein function have been reported. ClinVar contains an entry for this variant (Variation ID: 1517235). Based on the evidence outlined above, the variant was classified as uncertain significance.

Ambry Genetics
Classification: Uncertain significance. Last evaluated: 2025-06-17. Review status: criteria provided, single submitter. Criteria: Ambry Variant Classification Scheme 2023. Collection method: clinical testing. Allele origin: germline.

Labcorp Genetics (formerly Invitae), Labcorp
Classification: Uncertain significance. Last evaluated: 2024-12-19. Review status: criteria provided, single submitter. Criteria: Invitae Variant Classification Sherloc (09022015). Collection method: clinical testing. Allele origin: germline.
Comment: This sequence change replaces leucine, which is neutral and non-polar, with methionine, which is neutral and non-polar, at codon 373 of the MMP13 protein (p.Leu373Met). This variant is present in population databases (rs112373498, gnomAD 0.07%). This variant has not been reported in the literature in individuals affected with MMP13-related conditions. ClinVar contains an entry for this variant (Variation ID: 1517235). Invitae Evidence Modeling of protein sequence and biophysical properties (such as structural, functional, and spatial information, amino acid conservation, physicochemical variation, residue mobility, and thermodynamic stability) indicates that this missense variant is not expected to disrupt MMP13 protein function with a negative predictive value of 80%. In summary, the available evidence is currently insufficient to determine the role of this variant in disease. Therefore, it has been classified as a Variant of Uncertain Significance.